The following is an entry in ClinVar:

NM_006914.4(RORB):c.1137G>C (p.Arg379Ser)

Gene: RORB (RAR related orphan receptor B; plus strand). Cytogenetic location: 9q21.13.
Variant type: single nucleotide variant.
Coding change: c.1137G>C on transcript NM_006914.4 (MANE Select); coding-DNA position 1137, G replaced by C.
Protein change: p.Arg379Ser; replaces arginine 379 with serine.
Molecular consequence: missense variant.
Genome position (GRCh38, 1-based): chr9:74,671,814, G>C. VCF-style: chr9-74671814-G-C. GRCh37 (hg19) VCF-style: chr9-77286730-G-C.
Other names: c.1170G>C, p.Arg390Ser (NM_001365023.1); short protein forms R379S, R390S.
Identifiers: ClinVar variation 3726405 (VCV003726405.2).

ClinVar aggregate classification (germline): Uncertain significance (1 of 4 stars; one submission).

Submission:

Labcorp Genetics (formerly Invitae), Labcorp
Classification: Uncertain significance. Last evaluated: 2025-01-13. Review status: criteria provided, single submitter. Criteria: Invitae Variant Classification Sherloc (09022015). Collection method: clinical testing. Allele origin: germline.
Comment: This sequence change replaces arginine, which is basic and polar, with serine, which is neutral and polar, at codon 379 of the RORB protein (p.Arg379Ser). This variant is not present in population databases (gnomAD no frequency). This variant has not been reported in the literature in individuals affected with RORB-related conditions. An algorithm developed to predict the effect of missense changes on protein structure and function (PolyPhen-2) suggests that this variant is likely to be tolerated. In summary, the available evidence is currently insufficient to determine the role of this variant in disease. Therefore, it has been classified as a Variant of Uncertain Significance.